The following is an entry in ClinVar:

ClinVar aggregate classification (germline): Conflicting classifications of pathogenicity. Review status: criteria provided, conflicting classifications (1 of 4 stars). 6 submissions from 5 submitters: Uncertain significance (2); Likely benign (3). 1 of the submissions does not count toward it. Last evaluated 2025-10-13.

Conditions:
Autosomal recessive nonsyndromic hearing loss 12. Also called: DEAFNESS, AUTOSOMAL RECESSIVE 12. Identifiers: Orphanet 90636, MedGen C1832394, MONDO:0011067, OMIM 601386.
CDH23-related disorder. Also called: CDH23-related disorders; CDH23-related condition.
Usher syndrome type 1D (USH1D). Also called: USHER SYNDROME, TYPE ID. Identifiers: Orphanet 231169, Orphanet 886, MedGen C1832845, MONDO:0010984, OMIM 601067.

Allele frequency attached by ClinVar (database versions not stated): 1000 Genomes Project 30x 0.00047; TOPMed 0.00052; gnomAD 0.00058 and 0.00061; 1000 Genomes Project 0.00060; ESP Exome Variant Server 0.00065; ExAC 0.00027.
gnomAD v4.1: 1,121 of 1,608,272 alleles (0.07%); highest among the groups gnomAD compares: Non-Finnish European, 0.085%; no homozygotes.

Submissions (6):

Labcorp Genetics (formerly Invitae), Labcorp
Classification: Likely benign. Last evaluated: 2025-10-13. Review status: criteria provided, single submitter. Criteria: Invitae Variant Classification Sherloc (09022015). Collection method: clinical testing. Allele origin: germline.

Blueprint Genetics
Classification: Likely benign. Last evaluated: 2024-10-02. Review status: criteria provided, single submitter. Criteria: ACMG Guidelines, 2015. Collection method: clinical testing. Allele origin: germline.

Illumina Laboratory Services, Illumina
Classification: Uncertain significance for Autosomal recessive nonsyndromic hearing loss 12. Last evaluated: 2018-01-13. Review status: criteria provided, single submitter. Criteria: ICSL Variant Classification Criteria 13 December 2019. Collection method: clinical testing. Allele origin: germline.

Illumina Laboratory Services, Illumina
Classification: Uncertain significance for Usher syndrome type 1D. Last evaluated: 2018-01-13. Review status: criteria provided, single submitter. Criteria: ICSL Variant Classification Criteria 13 December 2019. Collection method: clinical testing. Allele origin: germline.

Laboratory for Molecular Medicine, Mass General Brigham Personalized Medicine
Classification: Likely benign. Last evaluated: 2016-04-03. Review status: criteria provided, single submitter. Criteria: LMM Criteria. Collection method: clinical testing. Allele origin: germline. Observed: 1 variant allele.
Comment: c.3369+12G>A in intron 28 of CDH23: This variant is not expected to have clinica l significance because it is not located within the splice consensus sequence an d has been identified in 17/49721 European American chromosomes by the Exome Agg regation Consortium (ExAC; dbSNP rs187975106).

PreventionGenetics, part of Exact Sciences
Classification: Likely benign for CDH23-related condition. Last evaluated: 2024-08-30. Review status: no assertion criteria provided. Collection method: clinical testing. Allele origin: germline. Not counted in ClinVar's aggregate classification.
Comment: This variant is classified as likely benign based on ACMG/AMP sequence variant interpretation guidelines (Richards et al. 2015 PMID: 25741868, with internal and published modifications).

NM_022124.6(CDH23):c.3369+12G>A

Genes: C10orf105 (chromosome 10 open reading frame 105; minus strand), CDH23 (cadherin related 23; plus strand). Cytogenetic location: 10q22.1.
Variant type: single nucleotide variant.
Coding change: c.3369+12G>A on transcript NM_022124.6 (MANE Select); 12 bases into the intron after coding-DNA position 3369, G replaced by A.
Molecular consequence: intron variant. On other transcripts: 3 prime UTR variant (2).
Genome position (GRCh38, 1-based): chr10:71,712,825, G>A. VCF-style: chr10-71712825-G-A. GRCh37 (hg19) VCF-style: chr10-73472582-G-A.
Other names: c.*3111C>T (NM_001164375.3, NM_001168390.2); c.3369+12G>A (NM_001171930.2).
Identifiers: ClinVar variation 300424 (VCV000300424.18), dbSNP rs187975106, ClinGen allele CA5544561.
Genomic context (GRCh38, chr10:71,712,825, plus strand): 5'-TGAGGCCAGCGTCCCTGAGGACATCCCTGAAGGCCACAGCATCTTGCAGGCAGGTGGCCC[G>A]TGGCCTCTGGGGCAGGTGGTGGGCTGGGGGAGGCGGAGCCACACACGGCCCTGAGGGCAC-3'